The following is an entry in ClinVar:

NM_000059.4(BRCA2):c.8067del (p.Cys2689fs)

Gene: BRCA2 (BRCA2 DNA repair associated; plus strand). Cytogenetic location: 13q13.1.
Variant type: Deletion.
Coding change: c.8067del on transcript NM_000059.4 (MANE Select); coding-DNA position 8067, one base deleted (T; older notation c.8067delT).
Protein change: p.Cys2689fs; shifts the reading frame from cysteine 2689.
Molecular consequence: frameshift variant.
Genome position (GRCh38, 1-based): chr13:32,363,269, T deleted. VCF-style (leftmost placement, unchanged base first): chr13-32363268-GT-G. GRCh37 (hg19) VCF-style: chr13-32937405-GT-G.
Other names: 8295delT; c.8067delT (NM_000059.3).
Identifiers: ClinVar variation 52494 (VCV000052494.6), dbSNP rs80359693, ClinGen allele CA025434.

ClinVar aggregate classification (germline): Pathogenic. Review status: reviewed by expert panel (3 of 4 stars). 5 submissions from 5 submitters: Pathogenic (1). 4 of the submissions do not count toward it. Last evaluated 2016-09-08.

Conditions:
Hereditary breast ovarian cancer syndrome. Also called: Hereditary breast and ovarian cancer syndrome; Hereditary breast and ovarian cancer; Hereditary breast and ovarian cancer syndrome (HBOC); Breast and ovarian cancer; Hereditary breast and/or ovarian cancer syndrome; BRCA1- and BRCA2-Associated Hereditary Breast and Ovarian Cancer. Identifiers: Orphanet 145, MedGen C0677776, MeSH D061325, MONDO:0003582. Disease mechanism: loss of function.
Breast-ovarian cancer, familial, susceptibility to, 2 (BROVCA2). Also called: BRCA2 Hereditary Breast and Ovarian Cancer. Identifiers: Orphanet 145, MedGen C2675520, MONDO:0012933, OMIM 612555. Disease mechanism: loss of function.

Submissions (5):

Evidence-based Network for the Interpretation of Germline Mutant Alleles (ENIGMA)
Classification: Pathogenic for Breast-ovarian cancer, familial, susceptibility to, 2. Last evaluated: 2016-09-08. Review status: reviewed by expert panel. Criteria: ENIGMA BRCA1/2 Classification Criteria (2015). Collection method: curation. Allele origin: germline.
Comment: Variant allele predicted to encode a truncated non-functional protein.

GeneDx
Classification: Pathogenic. Last evaluated: 2016-10-11. Review status: criteria provided, single submitter. Criteria: GeneDx Variant Classification (06012015). Collection method: clinical testing. Allele origin: germline. Affected: yes. Not counted in ClinVar's aggregate classification.
Comment: This deletion of one nucleotide in BRCA2 is denoted c.8067delT at the cDNA level and p.Cys2689TrpfsX5 (C2689WfsX5) at the protein level. The normal sequence, with the base that is deleted in braces, is TCTG[T]GTTT. The deletion causes a frameshift which changes a Cysteine to a Tryptophan at codon 2689, and creates a premature stop codon at position 5 of the new reading frame. This variant is predicted to cause loss of normal protein function through either protein truncation or nonsense-mediated mRNA decay. BRCA2 c.8067delT has not, to our knowledge, been published in the literature as pathogenic or benign. We consider this variant to be pathogenic.

Consortium of Investigators of Modifiers of BRCA1/2 (CIMBA), c/o University of Cambridge
Classification: Pathogenic for Breast-ovarian cancer, familial, susceptibility to, 2. Last evaluated: 2015-10-02. Review status: criteria provided, single submitter. Criteria: CIMBA Mutation Classification guidelines May 2016. Collection method: clinical testing. Allele origin: germline. Not counted in ClinVar's aggregate classification.

Research Molecular Genetics Laboratory, Women's College Hospital, University of Toronto
Classification: Pathogenic for Hereditary breast ovarian cancer syndrome. Last evaluated: 2014-01-31. Review status: no assertion criteria provided. Collection method: research. Allele origin: germline. Affected: yes. Study: The Canadian Open Genetics Repository (COGR). Not counted in ClinVar's aggregate classification.

Breast Cancer Information Core (BIC) (BRCA2)
Classification: Pathogenic for Breast-ovarian cancer, familial 2. Last evaluated: 2002-05-29. Review status: no assertion criteria provided. Collection method: clinical testing. Allele origin: germline. Affected: yes. Observed: 1 variant allele. Not counted in ClinVar's aggregate classification.